The following is an entry in ClinVar:

NM_021167.5(GATAD1):c.359T>C (p.Ile120Thr)

Gene: GATAD1 (GATA zinc finger domain containing 1; plus strand). Cytogenetic location: 7q21.2.
Variant type: single nucleotide variant.
Coding change: c.359T>C on transcript NM_021167.5 (MANE Select); coding-DNA position 359, T replaced by C.
Protein change: p.Ile120Thr; replaces isoleucine 120 with threonine.
Molecular consequence: missense variant. On other transcripts: non-coding transcript variant (1).
Genome position (GRCh38, 1-based): chr7:92,448,861, T>C. VCF-style: chr7-92448861-T-C. GRCh37 (hg19) VCF-style: chr7-92078175-T-C.
Other names: c.359T>C (NM_021167.3); short protein forms I120T.
Identifiers: ClinVar variation 3631926 (VCV003631926.3).

ClinVar aggregate classification (germline): Uncertain significance. Review status: criteria provided, multiple submitters, no conflicts (2 of 4 stars). 2 submissions from 2 submitters: Uncertain significance (2). Last evaluated 2026-02-24.

Conditions:
Cardiovascular phenotype. Identifiers: MedGen CN230736.
Dilated cardiomyopathy 2B. Identifiers: Orphanet 154, MedGen C3553409, MONDO:0013848, OMIM 614672.

gnomAD v4.1: 13 of 1,611,756 alleles (0.00081%); highest among the groups gnomAD compares: Admixed American, 0.017%; no homozygotes.

Submissions (2):

Ambry Genetics
Classification: Uncertain significance for Cardiovascular phenotype. Last evaluated: 2026-02-24. Review status: criteria provided, single submitter. Criteria: Ambry Variant Classification Scheme 2023. Collection method: clinical testing. Allele origin: germline.
Comment: The p.I120T variant (also known as c.359T>C), located in coding exon 2 of the GATAD1 gene, results from a T to C substitution at nucleotide position 359. The isoleucine at codon 120 is replaced by threonine, an amino acid with similar properties. This amino acid position is highly conserved in available vertebrate species. In addition, this alteration is predicted to be deleterious by in silico analysis. The evidence for this gene-disease relationship is limited; therefore, the clinical significance of this variant is unclear.

Labcorp Genetics (formerly Invitae), Labcorp
Classification: Uncertain significance for Dilated cardiomyopathy 2B. Last evaluated: 2024-09-02. Review status: criteria provided, single submitter. Criteria: Invitae Variant Classification Sherloc (09022015). Collection method: clinical testing. Allele origin: germline.
Comment: This sequence change replaces isoleucine, which is neutral and non-polar, with threonine, which is neutral and polar, at codon 120 of the GATAD1 protein (p.Ile120Thr). This variant is present in population databases (rs189361276, gnomAD 0.02%). This variant has not been reported in the literature in individuals affected with GATAD1-related conditions. Invitae Evidence Modeling of protein sequence and biophysical properties (such as structural, functional, and spatial information, amino acid conservation, physicochemical variation, residue mobility, and thermodynamic stability) indicates that this missense variant is not expected to disrupt GATAD1 protein function with a negative predictive value of 80%. In summary, the available evidence is currently insufficient to determine the role of this variant in disease. Therefore, it has been classified as a Variant of Uncertain Significance.